The following is an entry in ClinVar:

ClinVar aggregate classification (germline): Likely pathogenic. Review status: criteria provided, multiple submitters, no conflicts (2 of 4 stars). 2 submissions from 2 submitters: Likely pathogenic (2). Last evaluated 2024-03-01.

Conditions:
Long QT syndrome 2 (LQT2). Identifiers: Orphanet 101016, Orphanet 768, MedGen C3150943, MONDO:0013367, OMIM 613688.
Long QT syndrome (LQTS). Identifiers: MedGen C0023976, MeSH D008133, MONDO:0002442. Disease mechanism: loss of function. Inheritance: Various modes of inheritance.

Submissions (2):

Lildballe Lab, Aarhus University Hospital
Classification: Likely pathogenic for Long QT syndrome. Last evaluated: 2024-03-01. Review status: criteria provided, single submitter. Criteria: ACMG Guidelines, 2015. Collection method: research. Allele origin: germline. Affected: yes.
Comment: PM1(m), PP2(sup), PM2(sup), PM5(m), PP3(sup)

Clinical Genetics Service, Universitary Hospital 12 de Octubre
Classification: Likely pathogenic for Long QT syndrome 2. Review status: criteria provided, single submitter. Criteria: ACMG Guidelines, 2015. Collection method: clinical testing. Allele origin: maternal. Affected: yes.

Literature cited by the submitters: PubMed 25741883 (cited by Lildballe Lab, Aarhus University Hospital); PubMed 39481677 (cited by Lildballe Lab, Aarhus University Hospital).

NM_000238.4(KCNH2):c.1265C>A (p.Ala422Asp)

Gene: KCNH2 (potassium voltage-gated channel subfamily H member 2; minus strand). Cytogenetic location: 7q36.1.
Variant type: single nucleotide variant.
Coding change: c.1265C>A on transcript NM_000238.4 (MANE Select); coding-DNA position 1265, C replaced by A.
Protein change: p.Ala422Asp; replaces alanine 422 with aspartic acid.
Molecular consequence: missense variant. On other transcripts: non-coding transcript variant (2).
Genome position (GRCh38, 1-based): chr7:150,952,717, G>T on the plus strand (C>A on the coding strand, the complement: KCNH2 is on the minus strand). VCF-style: chr7-150952717-G-T. GRCh37 (hg19) VCF-style: chr7-150649805-G-T.
Other names: c.245C>A, p.Ala82Asp (NM_001204798.2, NM_172057.3); c.977C>A, p.Ala326Asp (NM_001406753.1, NM_001406756.1); c.1088C>A, p.Ala363Asp (NM_001406755.1); c.965C>A, p.Ala322Asp (NM_001406757.1); c.1265C>A, p.Ala422Asp (NM_172056.3); short protein forms A322D, A326D, A363D, A422D, A82D.
Identifiers: ClinVar variation 3338328 (VCV003338328.2).
Genomic context (GRCh38, chr7:150,952,717, plus strand): 5'-GCAGGCGGGCCTTCTTCCGTCTCCTTCAGCAGGAAGGCAGCCGAGTAGGGTGTGAAGACA[G>T]CCGTGTAGATGACCAGCAGCAGGATGAGCCAGTCCCACACGGCCTTGAAGGGGCTGTAAT-3'
Protein context (NP_000229.1, residues 412-432): WLILLLVIYT[Ala422Asp]VFTPYSAAFL